The following is an entry in ClinVar:

NM_001082486.2(ACD):c.379C>T (p.Pro127Ser)

Gene: ACD (ACD shelterin complex subunit and telomerase recruitment factor; minus strand). Cytogenetic location: 16q22.1.
Variant type: single nucleotide variant.
Coding change: c.379C>T on transcript NM_001082486.2 (MANE Select); coding-DNA position 379, C replaced by T.
Protein change: p.Pro127Ser; replaces proline 127 with serine.
Molecular consequence: missense variant.
Genome position (GRCh38, 1-based): chr16:67,659,571, G>A on the plus strand (C>T on the coding strand, the complement: ACD is on the minus strand). VCF-style: chr16-67659571-G-A. GRCh37 (hg19) VCF-style: chr16-67693474-G-A.
Other names: c.379C>T, p.Pro127Ser (NM_001410884.1); c.370C>T, p.Pro124Ser (NM_022914.3); short protein forms P127S, P124S.
Identifiers: ClinVar variation 3480250 (VCV003480250.1).

ClinVar aggregate classification (germline): Uncertain significance (1 of 4 stars; one submission).

Conditions:
Inborn genetic diseases. Identifiers: MedGen C0950123, MeSH D030342.

Submission:

Ambry Genetics
Classification: Uncertain significance for Inborn genetic diseases. Last evaluated: 2024-08-30. Review status: criteria provided, single submitter. Criteria: Ambry Variant Classification Scheme 2023. Collection method: clinical testing. Allele origin: germline.
Comment: The p.P213S variant (also known as c.637C>T), located in coding exon 4 of the ACD gene, results from a C to T substitution at nucleotide position 637. The proline at codon 213 is replaced by serine, an amino acid with similar properties. This amino acid position is conserved. In addition, the in silico prediction for this alteration is inconclusive. Based on the available evidence, the clinical significance of this variant remains unclear.